The following is an entry in ClinVar:

NM_000051.4(ATM):c.921A>T (p.Lys307Asn)

Gene: ATM (ATM serine/threonine kinase; plus strand). Cytogenetic location: 11q22.3.
Variant type: single nucleotide variant.
Coding change: c.921A>T on transcript NM_000051.4 (MANE Select); coding-DNA position 921, A replaced by T.
Protein change: p.Lys307Asn; replaces lysine 307 with asparagine.
Molecular consequence: missense variant.
Genome position (GRCh38, 1-based): chr11:108,246,983, A>T. VCF-style: chr11-108246983-A-T. GRCh37 (hg19) VCF-style: chr11-108117710-A-T.
Other names: c.921A>T, p.Lys307Asn (NM_001351834.2); short protein forms K307N.
Identifiers: ClinVar variation 489603 (VCV000489603.26), dbSNP rs1555068322, ClinGen allele CA382530569.

ClinVar aggregate classification (germline): Conflicting classifications of pathogenicity. Review status: criteria provided, conflicting classifications (1 of 4 stars). 6 submissions from 6 submitters: Uncertain significance (4); Likely benign (1). 1 of the submissions does not count toward it. Last evaluated 2025-12-16.

Conditions:
Ataxia-telangiectasia syndrome (AT). Also called: ATAXIA-TELANGIECTASIA, COMPLEMENTATION GROUP A; ATAXIA-TELANGIECTASIA, FRESNO VARIANT; Ataxia-telangiectasia, complementation group E; Ataxia-telangiectasia; Ataxia telangiectasia (A-T); LOUIS-BAR SYNDROME. Identifiers: Orphanet 100, MedGen C0004135, MONDO:0008840, OMIM 208900.
Hereditary cancer-predisposing syndrome. Also called: Hereditary Cancer Syndrome; Tumor predisposition; Hereditary neoplastic syndrome; Neoplastic Syndromes, Hereditary. Identifiers: Orphanet 140162, MedGen C0027672, MeSH D009386, MONDO:0015356.
Familial cancer of breast. Also called: hereditary breast carcinoma; BREAST CANCER, FAMILIAL; Hereditary breast cancer. Identifiers: Orphanet 227535, MedGen C0346153, MONDO:0016419, OMIM 114480. Disease mechanism: loss of function.

Allele frequency attached by ClinVar (database versions not stated): TOPMed below 0.00001.

Submissions (6):

Labcorp Genetics (formerly Invitae), Labcorp
Classification: Uncertain significance for Ataxia-telangiectasia syndrome. Last evaluated: 2025-12-16. Review status: criteria provided, single submitter. Criteria: Invitae Variant Classification Sherloc (09022015). Collection method: clinical testing. Allele origin: germline.
Comment: This sequence change replaces lysine, which is basic and polar, with asparagine, which is neutral and polar, at codon 307 of the ATM protein (p.Lys307Asn). This variant is not present in population databases (gnomAD no frequency). This variant has not been reported in the literature in individuals affected with ATM-related conditions. ClinVar contains an entry for this variant (Variation ID: 489603). Invitae Evidence Modeling of protein sequence and biophysical properties (such as structural, functional, and spatial information, amino acid conservation, physicochemical variation, residue mobility, and thermodynamic stability) indicates that this missense variant is not expected to disrupt ATM protein function with a negative predictive value of 95%. In summary, the available evidence is currently insufficient to determine the role of this variant in disease. Therefore, it has been classified as a Variant of Uncertain Significance.

Ambry Genetics
Classification: Likely benign for Hereditary cancer-predisposing syndrome. Last evaluated: 2025-09-29. Review status: criteria provided, single submitter. Criteria: Ambry Variant Classification Scheme 2023. Collection method: clinical testing. Allele origin: germline.

Fulgent Genetics
Classification: Uncertain significance for Familial cancer of breast; Ataxia-telangiectasia syndrome. Last evaluated: 2024-05-08. Review status: criteria provided, single submitter. Criteria: ACMG Guidelines, 2015. Collection method: clinical testing. Allele origin: germline.

Color Diagnostics, LLC DBA Color Health
Classification: Uncertain significance for Hereditary cancer-predisposing syndrome. Last evaluated: 2024-03-06. Review status: criteria provided, single submitter. Criteria: ACMG Guidelines, 2015. Collection method: clinical testing. Allele origin: germline.
Comment: This missense variant replaces lysine with asparagine at codon 307 of the ATM protein. Computational prediction suggests that this variant may not impact protein structure and function (internally defined REVEL score threshold <= 0.5, PMID: 27666373). To our knowledge, functional studies have not been reported for this variant. This variant has not been reported in individuals affected with ATM-related disorders in the literature. This variant has not been identified in the general population by the Genome Aggregation Database (gnomAD). The available evidence is insufficient to determine the role of this variant in disease conclusively. Therefore, this variant is classified as a Variant of Uncertain Significance.

Baylor Genetics
Classification: Uncertain significance for Familial cancer of breast. Last evaluated: 2023-09-19. Review status: criteria provided, single submitter. Criteria: ACMG Guidelines, 2015. Collection method: clinical testing. Allele origin: unknown.

Natera, Inc.
Classification: Uncertain significance for Ataxia-telangiectasia. Last evaluated: 2021-01-08. Review status: no assertion criteria provided. Collection method: clinical testing. Allele origin: germline. Not counted in ClinVar's aggregate classification.

Literature cited by the submitters: PubMed 40580951 (cited by Ambry Genetics).